The following is an entry in ClinVar:

ClinVar aggregate classification (germline): Uncertain significance. Review status: criteria provided, multiple submitters, no conflicts (2 of 4 stars). 2 submissions from 2 submitters: Uncertain significance (2). Last evaluated 2024-05-05.

Conditions:
Inborn genetic diseases. Identifiers: MedGen C0950123, MeSH D030342.
Sulfite oxidase deficiency due to molybdenum cofactor deficiency type C. Also called: Molybdenum cofactor deficiency, complementation group C; Molybdenum cofactor deficiency C. Identifiers: Orphanet 308400, Orphanet 833, MedGen C1854990, MONDO:0014212, OMIM 615501.

Allele frequency attached by ClinVar (database versions not stated): gnomAD exomes below 0.00001; TOPMed below 0.00001.
gnomAD v4.1: 3 of 1,610,922 alleles (0.00019%); highest among the groups gnomAD compares: South Asian, 0.0011%; no homozygotes.

Submissions (2):

Labcorp Genetics (formerly Invitae), Labcorp
Classification: Uncertain significance for Sulfite oxidase deficiency due to molybdenum cofactor deficiency type C. Last evaluated: 2024-05-05. Review status: criteria provided, single submitter. Criteria: Invitae Variant Classification Sherloc (09022015). Collection method: clinical testing. Allele origin: germline.
Comment: This sequence change replaces glycine, which is neutral and non-polar, with glutamic acid, which is acidic and polar, at codon 118 of the GPHN protein (p.Gly118Glu). This variant is not present in population databases (gnomAD no frequency). This variant has not been reported in the literature in individuals affected with GPHN-related conditions. Advanced modeling of protein sequence and biophysical properties (such as structural, functional, and spatial information, amino acid conservation, physicochemical variation, residue mobility, and thermodynamic stability) performed at Invitae indicates that this missense variant is not expected to disrupt GPHN protein function with a negative predictive value of 80%. In summary, the available evidence is currently insufficient to determine the role of this variant in disease. Therefore, it has been classified as a Variant of Uncertain Significance.

Ambry Genetics
Classification: Uncertain significance for Inborn genetic diseases. Last evaluated: 2024-05-02. Review status: criteria provided, single submitter. Criteria: Ambry Variant Classification Scheme 2023. Collection method: clinical testing. Allele origin: germline.

NM_020806.5(GPHN):c.353G>A (p.Gly118Glu)

Gene: GPHN (gephyrin; plus strand). Cytogenetic location: 14q23.3.
Variant type: single nucleotide variant.
Coding change: c.353G>A on transcript NM_020806.5 (MANE Select); coding-DNA position 353, G replaced by A.
Protein change: p.Gly118Glu; replaces glycine 118 with glutamic acid.
Molecular consequence: missense variant.
Genome position (GRCh38, 1-based): chr14:66,879,997, G>A. VCF-style: chr14-66879997-G-A. GRCh37 (hg19) VCF-style: chr14-67346715-G-A.
Other names: c.353G>A (NM_020806.4); c.353G>A, p.Gly118Glu (NM_001024218.2, NM_001377515.1, NM_001377516.1 and 2 more transcripts); c.392G>A, p.Gly131Glu (NM_001377514.1, NM_001377519.1); short protein forms G131E, G118E.
Identifiers: ClinVar variation 2727687 (VCV002727687.4), dbSNP rs1173184667, ClinGen allele CA390256948.
Genomic context (GRCh38, chr14:66,879,997, plus strand): 5'-AGGCCACAAAAGAAGTAATAGAACGGGAAGCACCAGGGATGGCCCTGGCAATGCTGATGG[G>A]ATCACTTAATGTTACACCTCTGGGCATGCTCTCTAGGTAAGAAAGTCACCAACATGTTGC-3'
Protein context (NP_065857.1, residues 108-128): APGMALAMLM[Gly118Glu]SLNVTPLGML